The following is an entry in ClinVar:

NM_004369.4(COL6A3):c.6914G>A (p.Gly2305Glu)

Gene: COL6A3 (collagen type VI alpha 3 chain; minus strand). Cytogenetic location: 2q37.3.
Variant type: single nucleotide variant.
Coding change: c.6914G>A on transcript NM_004369.4 (MANE Select); coding-DNA position 6914, G replaced by A.
Protein change: p.Gly2305Glu; replaces glycine 2305 with glutamic acid.
Molecular consequence: missense variant.
Genome position (GRCh38, 1-based): chr2:237,348,629, C>T on the plus strand (G>A on the coding strand, the complement: COL6A3 is on the minus strand). VCF-style: chr2-237348629-C-T. GRCh37 (hg19) VCF-style: chr2-238257272-C-T.
Other names: c.5093G>A, p.Gly1698Glu (NM_057166.5); c.6296G>A, p.Gly2099Glu (NM_057167.4); short protein forms G1698E, G2099E, G2305E.
Identifiers: ClinVar variation 2023291 (VCV002023291.4), dbSNP rs2469828272, ClinGen allele CA351208330.

ClinVar aggregate classification (germline): Uncertain significance (1 of 4 stars; one submission).

Conditions:
Bethlem myopathy 1A. Also called: MYOPATHY, BENIGN CONGENITAL, WITH CONTRACTURES; Bethlem myopathy 1; Bethlem Muscular Dystrophy. Identifiers: Orphanet 610, MedGen CN029274, MONDO:0024530, OMIM 158810.

Submission:

Labcorp Genetics (formerly Invitae), Labcorp
Classification: Uncertain significance for Bethlem myopathy 1A. Last evaluated: 2025-01-13. Review status: criteria provided, single submitter. Criteria: Invitae Variant Classification Sherloc (09022015). Collection method: clinical testing. Allele origin: germline.
Comment: This sequence change replaces glycine, which is neutral and non-polar, with glutamic acid, which is acidic and polar, at codon 2305 of the COL6A3 protein (p.Gly2305Glu). This variant is not present in population databases (gnomAD no frequency). This variant has not been reported in the literature in individuals affected with COL6A3-related conditions. ClinVar contains an entry for this variant (Variation ID: 2023291). Invitae Evidence Modeling of protein sequence and biophysical properties (such as structural, functional, and spatial information, amino acid conservation, physicochemical variation, residue mobility, and thermodynamic stability) indicates that this missense variant is expected to disrupt COL6A3 protein function with a positive predictive value of 80%. This variant disrupts the triple helix domain of COL6A3. Glycine residues within the Gly-Xaa-Yaa repeats of the triple helix domain are required for the structure and stability of fibrillar collagens (PMID: 7695699, 8218237, 19344236). In COL6A3, missense variants at these glycine residues are significantly enriched in individuals with autosomal dominant disease (PMID: 15689448, 24038877) compared to the general population (ExAC). In summary, the available evidence is currently insufficient to determine the role of this variant in disease. Therefore, it has been classified as a Variant of Uncertain Significance.

Literature cited by the submitters: PubMed 7695699; PubMed 8218237; PubMed 19344236; PubMed 15689448; PubMed 24038877.